The following is an entry in ClinVar:

NM_152281.3(GORAB):c.-48dup

Genes: GORAB (golgin, RAB6 interacting; plus strand), GORAB-AS1 (GORAB antisense RNA 1; minus strand). Cytogenetic location: 1q24.2.
Variant type: Duplication.
Coding change: c.-48dup on transcript NM_152281.3 (MANE Select); 48 bases upstream of the start codon, one base duplicated (G; older notation c.-48dupG).
Molecular consequence: 5 prime UTR variant. On other transcripts: non-coding transcript variant (1).
Genome position (GRCh38, 1-based): chr1:170,532,176, G duplicated. VCF-style (leftmost placement, unchanged base first): chr1-170532175-C-CG. GRCh37 (hg19) VCF-style: chr1-170501316-C-CG.
Other names: c.-48dup (NM_001146039.2); c.-813dup (NM_001320252.2).
Identifiers: ClinVar variation 632087 (VCV000632087.11), dbSNP rs759432675, ClinGen allele CA1238975.

ClinVar aggregate classification (germline): Conflicting classifications of pathogenicity. Review status: criteria provided, conflicting classifications (1 of 4 stars). 3 submissions from 3 submitters: Pathogenic (1); Likely pathogenic (1); Uncertain significance (1). Last evaluated 2025-12-08.

Conditions:
GORAB-related disorder. Also called: GORAB-related condition.
Inborn genetic diseases. Identifiers: MedGen C0950123, MeSH D030342.

Allele frequency attached by ClinVar (database versions not stated): ExAC 0.00003; gnomAD exomes 0.00004 and 0.00008; gnomAD 0.00005 and 0.00006; TOPMed 0.00008; ESP Exome Variant Server 0.00032.

Submissions (3):

PreventionGenetics, part of Exact Sciences
Classification: Likely pathogenic for GORAB-related condition. Last evaluated: 2025-12-08. Review status: criteria provided, single submitter. Criteria: ACMG Guidelines, 2015. Collection method: clinical testing. Allele origin: germline.
Comment: The GORAB c.28dupG variant is predicted to result in a frameshift and premature protein termination (p.Ala10Glyfs*26). To our knowledge, this variant has not been reported in the literature. This variant is reported in 0.0085% of alleles in individuals of European (Non-Finnish) descent in gnomAD. Frameshift variants in GORAB are expected to be pathogenic. This variant is interpreted as likely pathogenic.

Labcorp Genetics (formerly Invitae), Labcorp
Classification: Pathogenic. Last evaluated: 2025-09-12. Review status: criteria provided, single submitter. Criteria: Invitae Variant Classification Sherloc (09022015). Collection method: clinical testing. Allele origin: germline.
Comment: This sequence change creates a premature translational stop signal (p.Ala10Glyfs*26) in the GORAB gene. It is expected to result in an absent or disrupted protein product. Loss-of-function variants in GORAB are known to be pathogenic (PMID: 18997784, 19681135). This variant is present in population databases (rs759432675, gnomAD 0.008%). This variant has not been reported in the literature in individuals affected with GORAB-related conditions. ClinVar contains an entry for this variant (Variation ID: 632087). For these reasons, this variant has been classified as Pathogenic.

Ambry Genetics
Classification: Uncertain significance for Inborn genetic diseases. Last evaluated: 2022-08-04. Review status: criteria provided, single submitter. Criteria: Ambry Variant Classification Scheme 2023. Collection method: clinical testing. Allele origin: germline.
Comment: May escape nonsense-mediated mRNA decay and/or be rescued by re-initiation Based on insufficient or conflicting evidence, the clinical significance of this alteration remains unclear.

Literature cited by the submitters: PubMed 18997784 (cited by Labcorp Genetics (formerly Invitae), Labcorp); PubMed 19681135 (cited by Labcorp Genetics (formerly Invitae), Labcorp).